The following is an entry in ClinVar:

NM_018952.5(HOXB6):c.128A>G (p.Tyr43Cys)

Genes: HOXB-AS3 (HOXB cluster antisense RNA 3; plus strand), HOXB6 (homeobox B6; minus strand), LOC130061089 (ATAC-STARR-seq lymphoblastoid silent region 8655; plus strand). Cytogenetic location: 17q21.32.
Variant type: single nucleotide variant.
Coding change: c.128A>G on transcript NM_018952.5 (MANE Select); coding-DNA position 128, A replaced by G.
Protein change: p.Tyr43Cys; replaces tyrosine 43 with cysteine.
Molecular consequence: missense variant.
Genome position (GRCh38, 1-based): chr17:48,598,023, T>C on the plus strand (A>G on the coding strand, the complement: HOXB6 is on the minus strand). VCF-style: chr17-48598023-T-C. GRCh37 (hg19) VCF-style: chr17-46675385-T-C.
Other names: c.128A>G, p.Tyr43Cys (NM_001369397.2); short protein forms Y43C.
Identifiers: ClinVar variation 3526330 (VCV003526330.2).

ClinVar aggregate classification (germline): Uncertain significance. Review status: criteria provided, multiple submitters, no conflicts (2 of 4 stars). 2 submissions from 2 submitters: Uncertain significance (2). Last evaluated 2026-02-09.

Conditions:
HOXB6-related disorder. Also called: HOXB6-related condition.

gnomAD v4.1: 31 of 1,598,322 alleles (0.0019%); highest among the groups gnomAD compares: African/African-American, 0.035%; no homozygotes.

Submissions (2):

PreventionGenetics, part of Exact Sciences
Classification: Uncertain significance for HOXB6-related condition. Last evaluated: 2026-02-09. Review status: criteria provided, single submitter. Criteria: ACMG Guidelines, 2015. Collection method: clinical testing. Allele origin: germline.
Comment: The HOXB6 c.128A>G variant is predicted to result in the amino acid substitution p.Tyr43Cys. To our knowledge, this variant has not been reported in the literature. This variant is reported in 0.044% of alleles in individuals of African descent in gnomAD. At this time, the clinical significance of this variant is uncertain due to the absence of conclusive functional and genetic evidence.

Ambry Genetics
Classification: Uncertain significance. Last evaluated: 2024-10-03. Review status: criteria provided, single submitter. Criteria: Ambry Variant Classification Scheme 2023. Collection method: clinical testing. Allele origin: germline.